The following is an entry in ClinVar:

ClinVar aggregate classification (germline): Uncertain significance. Review status: criteria provided, multiple submitters, no conflicts (2 of 4 stars). 2 submissions from 2 submitters: Uncertain significance (2). Last evaluated 2023-05-07.

Conditions:
Hereditary cancer-predisposing syndrome. Also called: Tumor predisposition; Neoplastic Syndromes, Hereditary; Hereditary Cancer Syndrome; Hereditary neoplastic syndrome. Identifiers: Orphanet 140162, MedGen C0027672, MeSH D009386, MONDO:0015356.
Parathyroid carcinoma (PRTC). Also called: CDC73-Related Parathyroid Carcinoma; Parathyroid gland carcinoma. Identifiers: Orphanet 143, MedGen C0687150, MONDO:0012004, OMIM 608266, HP:0006780.

Allele frequency attached by ClinVar (database versions not stated): gnomAD exomes below 0.00001.
gnomAD v4.1: 1 of 1,602,708 alleles (0.000062%); highest among the groups gnomAD compares: Non-Finnish European, 0.000085%; no homozygotes.

Submissions (2):

Labcorp Genetics (formerly Invitae), Labcorp
Classification: Uncertain significance for Parathyroid carcinoma. Last evaluated: 2023-05-07. Review status: criteria provided, single submitter. Criteria: Invitae Variant Classification Sherloc (09022015). Collection method: clinical testing. Allele origin: germline.
Comment: In summary, the available evidence is currently insufficient to determine the role of this variant in disease. Therefore, it has been classified as a Variant of Uncertain Significance. Advanced modeling of protein sequence and biophysical properties (such as structural, functional, and spatial information, amino acid conservation, physicochemical variation, residue mobility, and thermodynamic stability) performed at Invitae indicates that this missense variant is not expected to disrupt CDC73 protein function. ClinVar contains an entry for this variant (Variation ID: 1728200). This variant has not been reported in the literature in individuals affected with CDC73-related conditions. This variant is present in population databases (no rsID available, gnomAD 0.0009%). This sequence change replaces alanine, which is neutral and non-polar, with valine, which is neutral and non-polar, at codon 377 of the CDC73 protein (p.Ala377Val).

Ambry Genetics
Classification: Uncertain significance for Hereditary cancer-predisposing syndrome. Last evaluated: 2022-02-05. Review status: criteria provided, single submitter. Criteria: Ambry Variant Classification Scheme 2023. Collection method: clinical testing. Allele origin: germline.
Comment: The p.A377V variant (also known as c.1130C>T), located in coding exon 13 of the CDC73 gene, results from a C to T substitution at nucleotide position 1130. The alanine at codon 377 is replaced by valine, an amino acid with similar properties. This amino acid position is conserved. In addition, the in silico prediction for this alteration is inconclusive. Since supporting evidence is limited at this time, the clinical significance of this alteration remains unclear.

NM_024529.5(CDC73):c.1130C>T (p.Ala377Val)

Gene: CDC73 (cell division cycle 73; plus strand). Cytogenetic location: 1q31.2.
Variant type: single nucleotide variant.
Coding change: c.1130C>T on transcript NM_024529.5 (MANE Select); coding-DNA position 1130, C replaced by T.
Protein change: p.Ala377Val; replaces alanine 377 with valine.
Molecular consequence: missense variant.
Genome position (GRCh38, 1-based): chr1:193,212,453, C>T. VCF-style: chr1-193212453-C-T. GRCh37 (hg19) VCF-style: chr1-193181583-C-T.
Other names: short protein forms A377V.
Identifiers: ClinVar variation 1728200 (VCV001728200.5), dbSNP rs1248317719, ClinGen allele CA344077643.